The following is an entry in ClinVar:

ClinVar aggregate classification (germline): Likely pathogenic (1 of 4 stars; one submission).

Conditions:
Autosomal recessive limb-girdle muscular dystrophy type R18 (LGMDR18). Also called: MUSCULAR DYSTROPHY, LIMB-GIRDLE, AUTOSOMAL RECESSIVE 18; Limb-girdle muscular dystrophy, type 2S; Autosomal recessive limb-girdle muscular dystrophy type 2S. Identifiers: Orphanet 369840, MedGen C4517996, MONDO:0014144, OMIM 615356.

Submission:

Labcorp Genetics (formerly Invitae), Labcorp
Classification: Likely pathogenic for Autosomal recessive limb-girdle muscular dystrophy type R18. Last evaluated: 2019-05-07. Review status: criteria provided, single submitter. Criteria: Invitae Variant Classification Sherloc (09022015). Collection method: clinical testing. Allele origin: germline.
Comment: Donor and acceptor splice site variants typically lead to a loss of protein function (PMID: 16199547), and loss-of-function variants in TRAPPC11 are known to be pathogenic (PMID: 23830518, 26322222). In summary, the currently available evidence indicates that the variant is pathogenic, but additional data are needed to prove that conclusively. Therefore, this variant has been classified as Likely Pathogenic. This variant has not been reported in the literature in individuals with TRAPPC11-related conditions. This variant is not present in population databases (ExAC no frequency). This sequence change affects a donor splice site in intron 2 of the TRAPPC11 gene. It is expected to disrupt RNA splicing and likely results in an absent or disrupted protein product.

Literature cited by the submitters: PubMed 16199547; PubMed 23830518; PubMed 26322222.

NM_021942.6(TRAPPC11):c.204+1G>C

Gene: TRAPPC11 (trafficking protein particle complex subunit 11; plus strand). Cytogenetic location: 4q35.1.
Variant type: single nucleotide variant.
Coding change: c.204+1G>C on transcript NM_021942.6 (MANE Select); the canonical splice donor site of the intron after coding-DNA position 204, G replaced by C.
Molecular consequence: splice donor variant.
Genome position (GRCh38, 1-based): chr4:183,664,072, G>C. VCF-style: chr4-183664072-G-C. GRCh37 (hg19) VCF-style: chr4-184585225-G-C.
Other names: c.204+1G>C (NM_199053.3).
Identifiers: ClinVar variation 951613 (VCV000951613.8), dbSNP rs1734714805, ClinGen allele CA358858667.